The following is an entry in ClinVar:

NM_000257.4(MYH7):c.4897A>G (p.Asn1633Asp)

Genes: MHRT (myosin heavy chain associated RNA transcript; plus strand), MYH7 (myosin heavy chain 7; minus strand), LOC126861897 (BRD4-independent group 4 enhancer GRCh37_chr14:23884455-23885654; plus strand). Cytogenetic location: 14q11.2.
Variant type: single nucleotide variant.
Coding change: c.4897A>G on transcript NM_000257.4 (MANE Select); coding-DNA position 4897, A replaced by G.
Protein change: p.Asn1633Asp; replaces asparagine 1633 with aspartic acid.
Molecular consequence: missense variant. On other transcripts: non-coding transcript variant (1).
Genome position (GRCh38, 1-based): chr14:23,416,060, T>C on the plus strand (A>G on the coding strand, the complement: MYH7 is on the minus strand). VCF-style: chr14-23416060-T-C. GRCh37 (hg19) VCF-style: chr14-23885269-T-C.
Other names: short protein forms N1633D.
Identifiers: ClinVar variation 853296 (VCV000853296.10), dbSNP rs762272480, ClinGen allele CA044154.

ClinVar aggregate classification (germline): Uncertain significance (1 of 4 stars; one submission).

Conditions:
Hypertrophic cardiomyopathy. Also called: HYPERTROPHIC MYOCARDIOPATHY. Identifiers: Orphanet 217569, MedGen C0007194, MeSH D002312, MONDO:0005045, HP:0001639.

Allele frequency attached by ClinVar (database versions not stated): gnomAD exomes below 0.00001; ExAC 0.00001.

Submission:

Labcorp Genetics (formerly Invitae), Labcorp
Classification: Uncertain significance for Hypertrophic cardiomyopathy. Last evaluated: 2022-01-11. Review status: criteria provided, single submitter. Criteria: Invitae Variant Classification Sherloc (09022015). Collection method: clinical testing. Allele origin: germline.
Comment: ClinVar contains an entry for this variant (Variation ID: 853296). This variant has not been reported in the literature in individuals affected with MYH7-related conditions. This variant is present in population databases (rs762272480, gnomAD 0.003%). This sequence change replaces asparagine, which is neutral and polar, with aspartic acid, which is acidic and polar, at codon 1633 of the MYH7 protein (p.Asn1633Asp). In summary, the available evidence is currently insufficient to determine the role of this variant in disease. Therefore, it has been classified as a Variant of Uncertain Significance. Algorithms developed to predict the effect of missense changes on protein structure and function are either unavailable or do not agree on the potential impact of this missense change (SIFT: "Deleterious"; PolyPhen-2: "Probably Damaging"; Align-GVGD: "Class C0").